The following is an entry in ClinVar:

NM_000359.3(TGM1):c.1A>G (p.Met1Val)

Genes: TGM1 (transglutaminase 1; minus strand), LOC107882126 (TGM1 promoter region; plus strand). Cytogenetic location: 14q12.
Variant type: single nucleotide variant.
Coding change: c.1A>G on transcript NM_000359.3 (MANE Select); coding-DNA position 1, A replaced by G.
Protein change: p.Met1Val; changes the start codon (methionine 1).
Molecular consequence: missense variant, initiator codon variant.
Genome position (GRCh38, 1-based): chr14:24,262,352, T>C on the plus strand (A>G on the coding strand, the complement: TGM1 is on the minus strand). VCF-style: chr14-24262352-T-C. GRCh37 (hg19) VCF-style: chr14-24731558-T-C.
Other names: short protein forms M1V.
Identifiers: ClinVar variation 881586 (VCV000881586.6), dbSNP rs760172387, ClinGen allele CA7131570.

ClinVar aggregate classification (germline): Uncertain significance. Review status: criteria provided, multiple submitters, no conflicts (2 of 4 stars). 2 submissions from 2 submitters: Uncertain significance (2). Last evaluated 2026-06-24.

Conditions:
Autosomal recessive congenital ichthyosis 1 (LI1). Also called: ICHTHYOSIS, CONGENITAL, AUTOSOMAL RECESSIVE 1, WITH BATHING SUIT DISTRIBUTION; ICHTHYOSIS CONGENITA; ICHTHYOSIS CONGENITA II; LAMELLAR EXFOLIATION OF NEWBORN; ICHTHYOSIS, CONGENITAL, AUTOSOMAL RECESSIVE 1, WITH OR WITHOUT BATHING SUIT DISTRIBUTION; COLLODION FETUS. Identifiers: MedGen C4551630, MONDO:0009441, OMIM 242300.

Allele frequency attached by ClinVar (database versions not stated): gnomAD exomes below 0.00001; ExAC 0.00001; gnomAD 0.00001; TOPMed 0.00001.

Submissions (2):

Myriad Genetics, Inc.
Classification: Uncertain significance for Autosomal recessive congenital ichthyosis 1. Last evaluated: 2026-06-24. Review status: criteria provided, single submitter. Criteria: Myriad Autosomal Dominant, Autosomal Recessive and X-Linked Classification Criteria (2023). Collection method: clinical testing. Allele origin: unknown.
Comment: NM_000359.2(TGM1):c.1A>G(M1?) is an initiation codon variant classified as a variant of uncertain significance in the context of TGM1-related autosomal recessive congenital ichthyosis. M1? has not been observed in cases with relevant disease. Relevant functional assessments of this variant are not available in the literature. M1? has been observed in referenced population frequency databases. In summary, there is insufficient evidence to classify NM_000359.2(TGM1):c.1A>G(M1?) as pathogenic or benign. Please note: this variant was assessed in the context of healthy population screening.

Illumina Laboratory Services, Illumina
Classification: Uncertain significance for Autosomal recessive congenital ichthyosis 1. Last evaluated: 2018-01-12. Review status: criteria provided, single submitter. Criteria: ICSL Variant Classification Criteria 13 December 2019. Collection method: clinical testing. Allele origin: germline.